The following is an entry in ClinVar:

ClinVar aggregate classification (germline): Uncertain significance. Review status: criteria provided, multiple submitters, no conflicts (2 of 4 stars). 2 submissions from 2 submitters: Uncertain significance (2). Last evaluated 2025-08-05.

Conditions:
Hereditary cancer-predisposing syndrome. Also called: Hereditary Cancer Syndrome; Hereditary neoplastic syndrome; Neoplastic Syndromes, Hereditary; Tumor predisposition. Identifiers: Orphanet 140162, MedGen C0027672, MeSH D009386, MONDO:0015356.

Submissions (2):

Ambry Genetics
Classification: Uncertain significance for Hereditary cancer-predisposing syndrome. Last evaluated: 2025-08-05. Review status: criteria provided, single submitter. Criteria: Ambry Variant Classification Scheme 2023. Collection method: clinical testing. Allele origin: germline.
Comment: The p.Q205K variant (also known as c.613C>A), located in coding exon 2 of the HOXB13 gene, results from a C to A substitution at nucleotide position 613. The glutamine at codon 205 is replaced by lysine, an amino acid with similar properties. This amino acid position is conserved. In addition, the in silico prediction for this alteration is inconclusive. Since supporting evidence is limited at this time, the clinical significance of this alteration remains unclear.

Labcorp Genetics (formerly Invitae), Labcorp
Classification: Uncertain significance. Last evaluated: 2023-12-26. Review status: criteria provided, single submitter. Criteria: Invitae Variant Classification Sherloc (09022015). Collection method: clinical testing. Allele origin: germline.
Comment: This sequence change replaces glutamine, which is neutral and polar, with lysine, which is basic and polar, at codon 205 of the HOXB13 protein (p.Gln205Lys). This variant is not present in population databases (gnomAD no frequency). This variant has not been reported in the literature in individuals affected with HOXB13-related conditions. ClinVar contains an entry for this variant (Variation ID: 1751819). Advanced modeling of protein sequence and biophysical properties (such as structural, functional, and spatial information, amino acid conservation, physicochemical variation, residue mobility, and thermodynamic stability) performed at Invitae indicates that this missense variant is not expected to disrupt HOXB13 protein function with a negative predictive value of 80%. In summary, the available evidence is currently insufficient to determine the role of this variant in disease. Therefore, it has been classified as a Variant of Uncertain Significance.

NM_006361.6(HOXB13):c.613C>A (p.Gln205Lys)

Gene: HOXB13 (homeobox B13; minus strand). Cytogenetic location: 17q21.32.
Variant type: single nucleotide variant.
Coding change: c.613C>A on transcript NM_006361.6 (MANE Select); coding-DNA position 613, C replaced by A.
Protein change: p.Gln205Lys; replaces glutamine 205 with lysine.
Molecular consequence: missense variant.
Genome position (GRCh38, 1-based): chr17:48,727,032, G>T on the plus strand (C>A on the coding strand, the complement: HOXB13 is on the minus strand). VCF-style: chr17-48727032-G-T. GRCh37 (hg19) VCF-style: chr17-46804394-G-T.
Other names: short protein forms Q205K.
Identifiers: ClinVar variation 1751819 (VCV001751819.6), dbSNP rs1387241173, ClinGen allele CA400107055.